The following is an entry in ClinVar:

NM_001256317.3(TMPRSS3):c.46C>T (p.Arg16Ter)

Gene: TMPRSS3 (transmembrane serine protease 3; minus strand). Cytogenetic location: 21q22.3.
Variant type: single nucleotide variant.
Coding change: c.46C>T on transcript NM_001256317.3 (MANE Select); coding-DNA position 46, C replaced by T.
Protein change: p.Arg16Ter; replaces arginine 16 with a stop codon.
Molecular consequence: nonsense.
Genome position (GRCh38, 1-based): chr21:42,395,372, G>A on the plus strand (C>T on the coding strand, the complement: TMPRSS3 is on the minus strand). VCF-style: chr21-42395372-G-A. GRCh37 (hg19) VCF-style: chr21-43815481-G-A.
Other names: c.46C>T, p.Arg16Ter (NM_024022.4, NM_032405.2); c.46C>T (NM_024022.2); short protein forms R16*.
Identifiers: ClinVar variation 1210028 (VCV001210028.15), dbSNP rs976363536, ClinGen allele CA321556585.
Genomic context (GRCh38, chr21:42,395,372, plus strand): 5'-GGGTCCACTTACCTGGTGCAACAGGACTTATTTTCAAATCATCAAGGCCAAAAAGCGATC[G>A]GAATGAGAAGGGGGCTTCAACAGCAGGCGGATCATTTTCCCCCATGGTGACTATTTCAGG-3'

ClinVar aggregate classification (germline): Pathogenic/Likely pathogenic. Review status: criteria provided, multiple submitters, no conflicts (2 of 4 stars). 8 submissions from 8 submitters: Pathogenic (5); Likely pathogenic (1). 2 of the submissions do not count toward it. Last evaluated 2026-07-01.

Conditions:
Autosomal recessive nonsyndromic hearing loss 8 (DFNB8). Also called: Deafness, autosomal recessive 10; NEUROSENSORY NONSYNDROMIC RECESSIVE DEAFNESS 8. Identifiers: Orphanet 90636, MedGen C1832827, MONDO:0010987, OMIM 601072.

Allele frequency attached by ClinVar (database versions not stated): gnomAD 0.00001; gnomAD exomes 0.00001; TOPMed 0.00002.

Submissions (8):

CeGaT Center for Human Genetics Tuebingen
Classification: Pathogenic. Last evaluated: 2026-07-01. Review status: criteria provided, single submitter. Criteria: CeGaT Center For Human Genetics Tuebingen Variant Classification Criteria Version 2. Collection method: clinical testing. Allele origin: germline. Affected: yes. Observed: 2 variant alleles.
Comment: TMPRSS3: PM3:Strong, PVS1:Strong, PM2

Labcorp Genetics (formerly Invitae), Labcorp
Classification: Pathogenic. Last evaluated: 2024-03-12. Review status: criteria provided, single submitter. Criteria: Invitae Variant Classification Sherloc (09022015). Collection method: clinical testing. Allele origin: germline.
Comment: This sequence change creates a premature translational stop signal (p.Arg16*) in the TMPRSS3 gene. It is expected to result in an absent or disrupted protein product. Loss-of-function variants in TMPRSS3 are known to be pathogenic (PMID: 16021470, 26969326). This variant is present in population databases (no rsID available, gnomAD 0.007%). This premature translational stop signal has been observed in individual(s) with nonsyndromic deafness (PMID: 27344577, 28984810). ClinVar contains an entry for this variant (Variation ID: 1210028). For these reasons, this variant has been classified as Pathogenic.

GeneDx
Classification: Pathogenic. Last evaluated: 2022-12-03. Review status: criteria provided, single submitter. Criteria: GeneDx Variant Classification Process June 2021. Collection method: clinical testing. Allele origin: germline. Affected: yes.
Comment: Nonsense variant predicted to result in protein truncation or nonsense mediated decay in a gene for which loss of function is a known mechanism of disease; Not observed at significant frequency in large population cohorts (gnomAD); This variant is associated with the following publications: (PMID: 22133722, 30245029, 27344577)

The Shared Resource Centre "Genome", Research Centre for Medical Genetics
Classification: Pathogenic for Autosomal recessive nonsyndromic hearing loss 8. Last evaluated: 2022-11-10. Review status: criteria provided, single submitter. Criteria: ACMG Guidelines, 2015. Collection method: clinical testing. Allele origin: germline. Affected: yes. Observed: 1 variant allele.

3billion
Classification: Pathogenic for Autosomal recessive nonsyndromic hearing loss 8. Last evaluated: 2022-09-01. Review status: criteria provided, single submitter. Criteria: ACMG Guidelines, 2015. Collection method: clinical testing. Allele origin: germline. Affected: yes. Observed: 1 heterozygote.
Comment: The variant is observed at an extremely low frequency in the gnomAD v2.1.1 dataset (total allele frequency: 0.001%). Stop-gained (nonsense) is predicted to result in a loss or disruption of normal protein function through nonsense-mediated decay (NMD) or protein truncation. Multiple pathogenic variants are reported downstream of the variant. The variant has been reported at least twice as pathogenic without evidence for the classification (ClinVar ID: VCV001210028 / PMID: 27344577). Therefore, this variant is classified as Pathogenic according to the recommendation of ACMG/AMP guideline.

Clinical Genetics Laboratory, Skane University Hospital Lund
Classification: Likely pathogenic. Last evaluated: 2022-05-27. Review status: criteria provided, single submitter. Criteria: ACMG Guidelines, 2015. Collection method: clinical testing. Allele origin: germline. Affected: yes.

Genome Diagnostics Laboratory, Amsterdam University Medical Center
Classification: Pathogenic. Review status: no assertion criteria provided. Collection method: clinical testing. Allele origin: germline. Affected: yes. Study: VKGL Data-share Consensus. Not counted in ClinVar's aggregate classification.

Joint Genome Diagnostic Labs from Nijmegen and Maastricht, Radboudumc and MUMC+
Classification: Pathogenic. Review status: no assertion criteria provided. Collection method: clinical testing. Allele origin: germline. Affected: yes. Study: VKGL Data-share Consensus. Not counted in ClinVar's aggregate classification.

Literature cited by the submitters: PubMed 16021470 (cited by Labcorp Genetics (formerly Invitae), Labcorp); PubMed 26969326 (cited by Labcorp Genetics (formerly Invitae), Labcorp); PubMed 27344577 (cited by Labcorp Genetics (formerly Invitae), Labcorp and 3billion); PubMed 28984810 (cited by Labcorp Genetics (formerly Invitae), Labcorp).